The following is an entry in ClinVar:

ClinVar aggregate classification (germline): Uncertain significance (1 of 4 stars; one submission).

Conditions:
KSR2-related disorder. Also called: KSR2-related condition.

gnomAD v4.1: 2 of 1,611,794 alleles (0.00012%); highest among the groups gnomAD compares: African/African-American, 0.0013%; no homozygotes.

Submission:

PreventionGenetics, part of Exact Sciences
Classification: Uncertain significance for KSR2-related condition. Last evaluated: 2025-08-04. Review status: criteria provided, single submitter. Criteria: ACMG Guidelines, 2015. Collection method: clinical testing. Allele origin: germline.
Comment: The KSR2 c.485T>C variant is predicted to result in the amino acid substitution p.Ile162Thr. To our knowledge, this variant has not been reported in the literature or in a large population database (gnomAD), indicating this variant is rare. At this time, the clinical significance of this variant is uncertain due to the absence of conclusive functional and genetic evidence.

NM_173598.6(KSR2):c.572T>C (p.Ile191Thr)

Gene: KSR2 (kinase suppressor of ras 2; minus strand). Cytogenetic location: 12q24.23.
Variant type: single nucleotide variant.
Coding change: c.572T>C on transcript NM_173598.6 (MANE Select); coding-DNA position 572, T replaced by C.
Protein change: p.Ile191Thr; replaces isoleucine 191 with threonine.
Molecular consequence: missense variant.
Genome position (GRCh38, 1-based): chr12:117,761,425, A>G on the plus strand (T>C on the coding strand, the complement: KSR2 is on the minus strand). VCF-style: chr12-117761425-A-G. GRCh37 (hg19) VCF-style: chr12-118199230-A-G.
Other names: short protein forms I191T.
Identifiers: ClinVar variation 4998179 (VCV004998179.1).